The following is an entry in ClinVar:

NM_000465.4(BARD1):c.1668C>T (p.His556=)

Gene: BARD1 (BRCA1 associated RING domain 1; minus strand). Cytogenetic location: 2q35.
Variant type: single nucleotide variant.
Coding change: c.1668C>T on transcript NM_000465.4 (MANE Select); coding-DNA position 1668, C replaced by T.
Protein change: p.His556=; no amino-acid change (histidine 556 retained).
Molecular consequence: synonymous variant. On other transcripts: non-coding transcript variant (3), intron variant (1).
Genome position (GRCh38, 1-based): chr2:214,752,456, G>A on the plus strand (C>T on the coding strand, the complement: BARD1 is on the minus strand). VCF-style: chr2-214752456-G-A. GRCh37 (hg19) VCF-style: chr2-215617180-G-A.
Other names: c.1611C>T, p.His537= (NM_001282543.2); c.315C>T, p.His105= (NM_001282545.2); c.258C>T, p.His86= (NM_001282548.2); c.365-21948C>T (NM_001282549.2).
Identifiers: ClinVar variation 1158240 (VCV001158240.13), dbSNP rs2106038572, ClinGen allele CA431147645.

ClinVar aggregate classification (germline): Benign/Likely benign. Review status: criteria provided, multiple submitters, no conflicts (2 of 4 stars). 3 submissions from 3 submitters: Benign (1); Likely benign (2). Last evaluated 2025-05-14.

Conditions:
Familial cancer of breast. Also called: hereditary breast carcinoma; Hereditary breast cancer; BREAST CANCER, FAMILIAL. Identifiers: Orphanet 227535, MedGen C0346153, MONDO:0016419, OMIM 114480. Disease mechanism: loss of function.
Hereditary cancer-predisposing syndrome. Also called: Tumor predisposition; Neoplastic Syndromes, Hereditary; Hereditary Cancer Syndrome; Hereditary neoplastic syndrome. Identifiers: Orphanet 140162, MedGen C0027672, MeSH D009386, MONDO:0015356.

Allele frequency attached by ClinVar (database versions not stated): gnomAD exomes below 0.00001.

Submissions (3):

Labcorp Genetics (formerly Invitae), Labcorp
Classification: Likely benign for Familial cancer of breast. Last evaluated: 2025-05-14. Review status: criteria provided, single submitter. Criteria: Invitae Variant Classification Sherloc (09022015). Collection method: clinical testing. Allele origin: germline.

Myriad Genetics, Inc.
Classification: Benign for Familial cancer of breast. Last evaluated: 2024-07-26. Review status: criteria provided, single submitter. Criteria: Myriad Autosomal Dominant, Autosomal Recessive and X-Linked Classification Criteria (2023). Collection method: clinical testing. Allele origin: unknown.
Comment: This variant is considered benign. This variant is a silent/synonymous amino acid change and it is not expected to impact splicing.

Ambry Genetics
Classification: Likely benign for Hereditary cancer-predisposing syndrome. Last evaluated: 2019-10-28. Review status: criteria provided, single submitter. Criteria: Ambry Variant Classification Scheme 2023. Collection method: clinical testing. Allele origin: germline.